The following is an entry in ClinVar:

ClinVar aggregate classification (germline): Conflicting classifications of pathogenicity. Review status: criteria provided, conflicting classifications (1 of 4 stars). 7 submissions from 7 submitters: Uncertain significance (3); Likely benign (4). Last evaluated 2025-10-29.

Conditions:
Tuberous sclerosis syndrome (TSC). Also called: Tuberous Sclerosis Complex; Tuberous sclerosis. Identifiers: Orphanet 805, MedGen C0041341, MONDO:0001734.
Tuberous sclerosis 2 (TSC2). Identifiers: Orphanet 805, MedGen C1860707, MONDO:0013199, OMIM 613254.
Hereditary cancer-predisposing syndrome. Also called: Tumor predisposition; Hereditary Cancer Syndrome; Neoplastic Syndromes, Hereditary; Hereditary neoplastic syndrome. Identifiers: Orphanet 140162, MedGen C0027672, MeSH D009386, MONDO:0015356.

Allele frequency attached by ClinVar (database versions not stated): gnomAD exomes 0.00001; TOPMed 0.00001; ExAC 0.00002; gnomAD 0.00003.

Submissions (7):

Labcorp Genetics (formerly Invitae), Labcorp
Classification: Likely benign for Tuberous sclerosis 2. Last evaluated: 2025-10-29. Review status: criteria provided, single submitter. Criteria: Invitae Variant Classification Sherloc (09022015). Collection method: clinical testing. Allele origin: germline.

Color Diagnostics, LLC DBA Color Health
Classification: Uncertain significance for Tuberous sclerosis syndrome. Last evaluated: 2025-08-28. Review status: criteria provided, single submitter. Criteria: ACMG Guidelines, 2015. Collection method: clinical testing. Allele origin: germline.
Comment: This missense variant replaces serine with leucine at codon 1466 of the TSC2 protein. Computational prediction is inconclusive regarding the impact of this variant on protein structure and function. To our knowledge, functional studies have not been reported for this variant. This variant has not been reported in individuals affected with TSC2-related disorders in the literature. This variant has been identified in 4/269592 chromosomes in the general population by the Genome Aggregation Database (gnomAD). The available evidence is insufficient to determine the role of this variant in disease conclusively. Therefore, this variant is classified as a Variant of Uncertain Significance.

Ambry Genetics
Classification: Likely benign for Hereditary cancer-predisposing syndrome. Last evaluated: 2024-04-12. Review status: criteria provided, single submitter. Criteria: Ambry Variant Classification Scheme 2023. Collection method: clinical testing. Allele origin: germline.

All of Us Research Program, National Institutes of Health
Classification: Uncertain significance for Tuberous sclerosis syndrome. Last evaluated: 2023-11-30. Review status: criteria provided, single submitter. Criteria: ACMG Guidelines, 2015. Collection method: clinical testing. Allele origin: germline. Inheritance: Autosomal dominant inheritance. Observed: 2 variant alleles, 2 heterozygotes.
Comment: This missense variant replaces serine with leucine at codon 1466 of the TSC2 protein. Computational prediction is inconclusive regarding the impact of this variant on protein structure and function (internally defined REVEL score threshold 0.5 < inconclusive < 0.7, PMID: 27666373). To our knowledge, functional studies have not been reported for this variant. This variant has not been reported in individuals affected with hereditary cancer in the literature. This variant has been identified in 4/269592 chromosomes in the general population by the Genome Aggregation Database (gnomAD). The available evidence is insufficient to determine the role of this variant in disease conclusively. Therefore, this variant is classified as a Variant of Uncertain Significance.

This study involves interpretation of variants in research participants for the purpose of population health screening. Participant phenotype was not available at the time of variant classification. Additional details can be found in publication PMID: 35346344, PMCID: PMC8962531

CeGaT Center for Human Genetics Tuebingen
Classification: Uncertain significance. Last evaluated: 2023-06-01. Review status: criteria provided, single submitter. Criteria: CeGaT Center For Human Genetics Tuebingen Variant Classification Criteria Version 2. Collection method: clinical testing. Allele origin: germline. Affected: yes. Observed: 1 variant allele.

Genome-Nilou Lab
Classification: Likely benign for Tuberous sclerosis 2. Last evaluated: 2021-11-07. Review status: criteria provided, single submitter. Criteria: ACMG Guidelines, 2015. Collection method: clinical testing. Allele origin: germline. Affected: no.

GeneDx
Classification: Likely benign. Last evaluated: 2018-02-01. Review status: criteria provided, single submitter. Criteria: GeneDx Variant Classification (06012015). Collection method: clinical testing. Allele origin: germline. Affected: yes.
Comment: This variant is considered likely benign or benign based on one or more of the following criteria: it is a conservative change, it occurs at a poorly conserved position in the protein, it is predicted to be benign by multiple in silico algorithms, and/or has population frequency not consistent with disease.

Literature cited by the submitters: PubMed 28968464 (cited by Ambry Genetics).

NM_000548.5(TSC2):c.4397C>T (p.Ser1466Leu)

Gene: TSC2 (TSC complex subunit 2; plus strand). Cytogenetic location: 16p13.3.
Variant type: single nucleotide variant.
Coding change: c.4397C>T on transcript NM_000548.5 (MANE Select); coding-DNA position 4397, C replaced by T.
Protein change: p.Ser1466Leu; replaces serine 1466 with leucine.
Molecular consequence: missense variant.
Genome position (GRCh38, 1-based): chr16:2,084,619, C>T. VCF-style: chr16-2084619-C-T. GRCh37 (hg19) VCF-style: chr16-2134620-C-T.
Other names: c.4196C>T, p.Ser1399Leu (NM_001077183.3); c.4328C>T, p.Ser1443Leu (NM_001114382.3); c.4088C>T, p.Ser1363Leu (NM_001318827.2); c.4052C>T, p.Ser1351Leu (NM_001318829.2); c.3665C>T, p.Ser1222Leu (NM_001318831.2); c.4229C>T, p.Ser1410Leu (NM_001318832.2); c.4199C>T, p.Ser1400Leu (NM_001363528.2); c.4265C>T, p.Ser1422Leu (NM_001370404.1); and 1 more; short protein forms S1466L, S1222L, S1423L, S1399L, S1410L, S1443L, S1363L, S1351L.
Identifiers: ClinVar variation 238048 (VCV000238048.43), dbSNP rs45517341, ClinGen allele CA051016.
Genomic context (GRCh38, chr16:2,084,619, plus strand): 5'-CTTCCAGCTCCCCCCGCTCGCCCAGTGGCCTCCGGCCCCGAGGTTACACCATCTCCGACT[C>T]GGCCCCATCACGCAGGGGCAAGAGAGTAGAGAGGGACGCCTTAAAGAGCAGAGCCACAGC-3'
Protein context (NP_000539.2, residues 1456-1476): LRPRGYTISD[Ser1466Leu]APSRRGKRVE